The following is an entry in ClinVar:

ClinVar aggregate classification (germline): Uncertain significance (1 of 4 stars; one submission).

Conditions:
Neuronal ceroid lipofuscinosis 1 (CLN1). Also called: CEROID LIPOFUSCINOSIS, NEURONAL, 1, VARIABLE AGE AT ONSET; PPT1-Related Neuronal Ceroid-Lipofuscinosis. Identifiers: Orphanet 228329, MedGen C1850451, MONDO:0009744, OMIM 256730.

Allele frequency attached by ClinVar (database versions not stated): gnomAD exomes below 0.00001.
gnomAD v4.1: 3 of 1,613,894 alleles (0.00019%); highest among the groups gnomAD compares: South Asian, 0.0011%; no homozygotes.

Submission:

Labcorp Genetics (formerly Invitae), Labcorp
Classification: Uncertain significance for Neuronal ceroid lipofuscinosis 1. Last evaluated: 2022-05-11. Review status: criteria provided, single submitter. Criteria: Invitae Variant Classification Sherloc (09022015). Collection method: clinical testing. Allele origin: germline.
Comment: This sequence change replaces glycine, which is neutral and non-polar, with glutamic acid, which is acidic and polar, at codon 64 of the PPT1 protein (p.Gly64Glu). This variant is not present in population databases (gnomAD no frequency). This variant has not been reported in the literature in individuals affected with PPT1-related conditions. Advanced modeling of protein sequence and biophysical properties (such as structural, functional, and spatial information, amino acid conservation, physicochemical variation, residue mobility, and thermodynamic stability) performed at Invitae indicates that this missense variant is expected to disrupt PPT1 protein function. In summary, the available evidence is currently insufficient to determine the role of this variant in disease. Therefore, it has been classified as a Variant of Uncertain Significance.

NM_000310.4(PPT1):c.191G>A (p.Gly64Glu)

Gene: PPT1 (palmitoyl-protein thioesterase 1; minus strand). Cytogenetic location: 1p34.2.
Variant type: single nucleotide variant.
Coding change: c.191G>A on transcript NM_000310.4 (MANE Select); coding-DNA position 191, G replaced by A.
Protein change: p.Gly64Glu; replaces glycine 64 with glutamic acid.
Molecular consequence: missense variant. On other transcripts: intron variant (1).
Genome position (GRCh38, 1-based): chr1:40,092,441, C>T on the plus strand (G>A on the coding strand, the complement: PPT1 is on the minus strand). VCF-style: chr1-40092441-C-T. GRCh37 (hg19) VCF-style: chr1-40558113-C-T.
Other names: c.191G>A, p.Gly64Glu (NM_001363695.2); c.125-2929G>A (NM_001142604.2); short protein forms G64E.
Identifiers: ClinVar variation 1944520 (VCV001944520.2), dbSNP rs2523690018, ClinGen allele CA339849791.